The following is an entry in ClinVar:

ClinVar aggregate classification (germline): Uncertain significance. Review status: criteria provided, multiple submitters, no conflicts (2 of 4 stars). 2 submissions from 2 submitters: Uncertain significance (2). Last evaluated 2024-08-05.

Conditions:
Cognitive impairment - coarse facies - heart defects - obesity - pulmonary involvement - short stature - skeletal dysplasia syndrome. Also called: AFF4-Related CHOPS Syndrome; COGNITIVE IMPAIRMENT, COARSE FACIES, HEART DEFECTS, OBESITY, PULMONARY INVOLVEMENT, SHORT STATURE, AND SKELETAL DYSPLASIA; Chops syndrome. Identifiers: Orphanet 444077, MedGen C4085597, MONDO:0014609, OMIM 616368.

Allele frequency attached by ClinVar (database versions not stated): TOPMed 0.00001; ExAC 0.00002; gnomAD 0.00002; gnomAD exomes 0.00002; ESP Exome Variant Server 0.00008.
gnomAD v4.1: 32 of 1,613,966 alleles (0.002%); highest among the groups gnomAD compares: Middle Eastern, 0.016%; no homozygotes.

Submissions (2):

Labcorp Genetics (formerly Invitae), Labcorp
Classification: Uncertain significance for Cognitive impairment - coarse facies - heart defects - obesity - pulmonary involvement - short stature - skeletal dysplasia syndrome. Last evaluated: 2024-08-05. Review status: criteria provided, single submitter. Criteria: Invitae Variant Classification Sherloc (09022015). Collection method: clinical testing. Allele origin: germline.
Comment: This sequence change replaces arginine, which is basic and polar, with tryptophan, which is neutral and slightly polar, at codon 831 of the AFF4 protein (p.Arg831Trp). This variant is present in population databases (rs374444704, gnomAD 0.01%). This variant has not been reported in the literature in individuals affected with AFF4-related conditions. ClinVar contains an entry for this variant (Variation ID: 493416). Advanced modeling of protein sequence and biophysical properties (such as structural, functional, and spatial information, amino acid conservation, physicochemical variation, residue mobility, and thermodynamic stability) performed at Invitae indicates that this missense variant is expected to disrupt AFF4 protein function with a positive predictive value of 80%. In summary, the available evidence is currently insufficient to determine the role of this variant in disease. Therefore, it has been classified as a Variant of Uncertain Significance.

CeGaT Center for Human Genetics Tuebingen
Classification: Uncertain significance. Last evaluated: 2017-08-01. Review status: criteria provided, single submitter. Criteria: CeGaT Center For Human Genetics Tuebingen Variant Classification Criteria Version 2. Collection method: clinical testing. Allele origin: germline. Affected: yes. Observed: 1 variant allele.

NM_014423.4(AFF4):c.2491C>T (p.Arg831Trp)

Gene: AFF4 (ALF transcription elongation factor 4; minus strand). Cytogenetic location: 5q31.1.
Variant type: single nucleotide variant.
Coding change: c.2491C>T on transcript NM_014423.4 (MANE Select); coding-DNA position 2491, C replaced by T.
Protein change: p.Arg831Trp; replaces arginine 831 with tryptophan.
Molecular consequence: missense variant.
Genome position (GRCh38, 1-based): chr5:132,892,310, G>A on the plus strand (C>T on the coding strand, the complement: AFF4 is on the minus strand). VCF-style: chr5-132892310-G-A. GRCh37 (hg19) VCF-style: chr5-132228002-G-A.
Other names: short protein forms R831W.
Identifiers: ClinVar variation 493416 (VCV000493416.47), dbSNP rs374444704, ClinGen allele CA3408914.